The following is an entry in ClinVar:

ClinVar aggregate classification (germline): Uncertain significance (1 of 4 stars; one submission).

Submission:

Ambry Genetics
Classification: Uncertain significance. Last evaluated: 2025-05-23. Review status: criteria provided, single submitter. Criteria: Ambry Variant Classification Scheme 2023. Collection method: clinical testing. Allele origin: germline.
Comment: The p.G2037D variant (also known as c.6110G>A), located in coding exon 24 of the WNK2 gene, results from a G to A substitution at nucleotide position 6110. The glycine at codon 2037 is replaced by aspartic acid, an amino acid with similar properties. This amino acid position is conserved. In addition, this alteration is predicted to be deleterious by in silico analysis. Based on the available evidence, the clinical significance of this variant remains unclear.

NM_006648.4(WNK2):c.6110G>A (p.Gly2037Asp)

Gene: WNK2 (WNK lysine deficient protein kinase 2; plus strand). Cytogenetic location: 9q22.31.
Variant type: single nucleotide variant.
Coding change: c.6110G>A on transcript NM_006648.4 (MANE Select); coding-DNA position 6110, G replaced by A.
Protein change: p.Gly2037Asp; replaces glycine 2037 with aspartic acid.
Molecular consequence: missense variant.
Genome position (GRCh38, 1-based): chr9:93,299,256, G>A. VCF-style: chr9-93299256-G-A. GRCh37 (hg19) VCF-style: chr9-96061538-G-A.
Other names: c.6221G>A, p.Gly2074Asp (NM_001282394.3); short protein forms G2037D, G2074D.
Identifiers: ClinVar variation 3982102 (VCV003982102.1).